The following is an entry in ClinVar:

ClinVar aggregate classification (germline): Benign/Likely benign. Review status: criteria provided, multiple submitters, no conflicts (2 of 4 stars). 3 submissions from 3 submitters: Benign (1); Likely benign (2). Last evaluated 2025-10-01.

Submissions (3):

Labcorp Genetics (formerly Invitae), Labcorp
Classification: Benign. Last evaluated: 2025-10-01. Review status: criteria provided, single submitter. Criteria: Invitae Variant Classification Sherloc (09022015). Collection method: clinical testing. Allele origin: germline.

Mayo Clinic Laboratories, Mayo Clinic
Classification: Likely benign. Last evaluated: 2025-05-12. Review status: criteria provided, single submitter. Criteria: ACMG Guidelines, 2015. Collection method: clinical testing. Allele origin: germline. Observed: 2 variant alleles.
Comment: BS1, BP4, BP7

Blueprint Genetics
Classification: Likely benign. Last evaluated: 2024-06-24. Review status: criteria provided, single submitter. Criteria: ACMG Guidelines, 2015. Collection method: clinical testing. Allele origin: germline.

NM_007289.4(MME):c.720+16del

Gene: MME (membrane metalloendopeptidase; plus strand). Cytogenetic location: 3q25.2.
Variant type: Deletion.
Coding change: c.720+16del on transcript NM_007289.4 (MANE Select); 16 bases into the intron after coding-DNA position 720, one base deleted (A; older notation c.720+16delA).
Molecular consequence: intron variant.
Genome position (GRCh38, 1-based): chr3:155,118,827, A deleted; the last of 8 consecutive A bases (chr3:155,118,820-155,118,827); deleting any one gives the same sequence. VCF-style (leftmost placement, unchanged base first): chr3-155118819-GA-G. GRCh37 (hg19) VCF-style: chr3-154836608-GA-G.
Other names: p.?; c.720+16del (NM_001354642.2, NM_000902.5, NM_007287.4 and 3 more transcripts).
Identifiers: ClinVar variation 1674724 (VCV001674724.10), dbSNP rs553956776, ClinGen allele CA2675245.
Genomic context (GRCh38, chr3:155,118,819, plus strand): 5'-GACTTGGCCTCCCTTCTAGAGATTACTATGAATGCACTGGAATCTATAAAGAGGTAAAAA[GA>G]AAAAAAATAATCAAAACCAAACTACAAAATGATCTGGTGTAAACCTACAAGTAATGAAAA-3'